The following is an entry in ClinVar:

NM_002528.7(NTHL1):c.360C>T (p.Arg120=)

Gene: NTHL1 (nth like DNA glycosylase 1; minus strand). Cytogenetic location: 16p13.3.
Variant type: single nucleotide variant.
Coding change: c.360C>T on transcript NM_002528.7 (MANE Select); coding-DNA position 360, C replaced by T.
Protein change: p.Arg120=; no amino-acid change (arginine 120 retained).
Molecular consequence: synonymous variant. On other transcripts: intron variant (1).
Genome position (GRCh38, 1-based): chr16:2,044,795, G>A on the plus strand (C>T on the coding strand, the complement: NTHL1 is on the minus strand). VCF-style: chr16-2044795-G-A. GRCh37 (hg19) VCF-style: chr16-2094796-G-A.
Other names: c.30C>T, p.Arg10= (NM_001318194.2); c.355-1069C>T (NM_001318193.2); c.384C>T (NM_002528.5).
Identifiers: ClinVar variation 1139362 (VCV001139362.12), dbSNP rs566860680, ClinGen allele CA276764660.
Genomic context (GRCh38, chr16:2,044,795, plus strand): 5'-CGCCGTCACCTGGTCTTTGGTTTGGCTGGAGAGCATCAGTGACAGCAGCACCTGGTACCT[G>A]CGTACCTGCTTGTGCAGTGACAGGGACCGGGGTGGCGGCGGGTCCTGGGTGATTCCCTGG-3'
Protein context (NP_002519.2, residues 110-130): CYDSSAPPKV[Arg120=]RYQVLLSLML

ClinVar aggregate classification (germline): Conflicting classifications of pathogenicity. Review status: criteria provided, conflicting classifications (1 of 4 stars). 2 submissions from 2 submitters: Uncertain significance (1); Likely benign (1). Last evaluated 2025-07-30.

Conditions:
Hereditary cancer-predisposing syndrome. Also called: Hereditary neoplastic syndrome; Hereditary Cancer Syndrome; Tumor predisposition; Neoplastic Syndromes, Hereditary. Identifiers: Orphanet 140162, MedGen C0027672, MeSH D009386, MONDO:0015356.

Allele frequency attached by ClinVar (database versions not stated): gnomAD exomes below 0.00001; TOPMed below 0.00001; gnomAD 0.00001; 1000 Genomes Project 0.00020; 1000 Genomes Project 30x 0.00031.
gnomAD v4.1: 3 of 1,604,550 alleles (0.00019%); highest among the groups gnomAD compares: East Asian, 0.0045%; no homozygotes.

Submissions (2):

Labcorp Genetics (formerly Invitae), Labcorp
Classification: Likely benign. Last evaluated: 2025-07-30. Review status: criteria provided, single submitter. Criteria: Invitae Variant Classification Sherloc (09022015). Collection method: clinical testing. Allele origin: germline.

Ambry Genetics
Classification: Uncertain significance for Hereditary cancer-predisposing syndrome. Last evaluated: 2025-06-17. Review status: criteria provided, single submitter. Criteria: Ambry Variant Classification Scheme 2023. Collection method: clinical testing. Allele origin: germline.
Comment: The c.384C>T variant (also known as p.R128R), located in coding exon 3 of the NTHL1 gene, results from a C to T substitution at nucleotide position 384. This nucleotide substitution does not change the amino acid at codon 128. This nucleotide position is poorly conserved in available vertebrate species. In silico splice site analysis for this alteration is inconclusive. Based on the available evidence, the clinical significance of this variant remains unclear.